The following is an entry in ClinVar:

NM_003361.4(UMOD):c.601G>T (p.Gly201Cys)

Gene: UMOD (uromodulin; minus strand). Cytogenetic location: 16p12.3.
Variant type: single nucleotide variant.
Coding change: c.601G>T on transcript NM_003361.4 (MANE Select); coding-DNA position 601, G replaced by T.
Protein change: p.Gly201Cys; replaces glycine 201 with cysteine.
Molecular consequence: missense variant. On other transcripts: non-coding transcript variant (1).
Genome position (GRCh38, 1-based): chr16:20,348,700, C>A on the plus strand (G>T on the coding strand, the complement: UMOD is on the minus strand). VCF-style: chr16-20348700-C-A. GRCh37 (hg19) VCF-style: chr16-20360022-C-A.
Other names: c.601G>T, p.Gly201Cys (NM_001008389.3, NM_001378232.1, NM_001378233.1 and 3 more transcripts); c.700G>T, p.Gly234Cys (NM_001278614.2); short protein forms G201C, G234C.
Identifiers: ClinVar variation 3256705 (VCV003256705.1).

ClinVar aggregate classification (germline): Likely pathogenic (1 of 4 stars; one submission).

Conditions:
Familial juvenile hyperuricemic nephropathy type 1 (ADTKD1). Also called: Autosomal Dominant Tubulointerstitial Kidney Disease – UMOD; Glomerulocystic kidney disease with hyperuricemia and isosthenuria; Medullary cystic kidney disease 2; UMOD-Associated Kidney Disease; Uromodulin-associated kidney disease. Identifiers: Orphanet 209886, Orphanet 34149, Orphanet 88950, MedGen C4551496, MONDO:0008073, OMIM 162000.

gnomAD v4.1: 1 of 1,552,146 alleles (0.000064%); highest among the groups gnomAD compares: Non-Finnish European, 0.000087%; no homozygotes.

Submission:

MVZ Medizinische Genetik Mainz
Classification: Likely pathogenic for Familial juvenile hyperuricemic nephropathy type 1. Last evaluated: 2024-06-20. Review status: criteria provided, single submitter. Criteria: UK Practice Guidelines For Variant Classification V4 01 2020. Collection method: clinical testing. Allele origin: germline. Inheritance: Autosomal dominant inheritance. Affected: yes. Observed: 1 variant allele.
Comment: ACMG Criteria: PP3_STR,PM1,PM5,PM2_SUP